The following is an entry in ClinVar:

ClinVar aggregate classification (germline): Uncertain significance (1 of 4 stars; one submission).

Allele frequency attached by ClinVar (database versions not stated): gnomAD 0.00001; TOPMed 0.00001; gnomAD exomes 0.00002; ESP Exome Variant Server 0.00008.
gnomAD v4.1: 28 of 1,613,996 alleles (0.0017%); highest among the groups gnomAD compares: Non-Finnish European, 0.0024%; no homozygotes.

Submission:

Labcorp Genetics (formerly Invitae), Labcorp
Classification: Uncertain significance. Last evaluated: 2021-03-27. Review status: criteria provided, single submitter. Criteria: Invitae Variant Classification Sherloc (09022015). Collection method: clinical testing. Allele origin: germline.
Comment: In summary, the available evidence is currently insufficient to determine the role of this variant in disease. Therefore, it has been classified as a Variant of Uncertain Significance. Algorithms developed to predict the effect of missense changes on protein structure and function (SIFT, PolyPhen-2, Align-GVGD) all suggest that this variant is likely to be tolerated, but these predictions have not been confirmed by published functional studies and their clinical significance is uncertain. This variant has not been reported in the literature in individuals with ERBB2-related conditions. This variant is not present in population databases (ExAC no frequency). This sequence change replaces alanine with glycine at codon 1204 of the ERBB2 protein (p.Ala1204Gly). The alanine residue is weakly conserved and there is a small physicochemical difference between alanine and glycine.

NM_004448.4(ERBB2):c.3611C>G (p.Ala1204Gly)

Gene: ERBB2 (erb-b2 receptor tyrosine kinase 2; plus strand). Cytogenetic location: 17q12.
Variant type: single nucleotide variant.
Coding change: c.3611C>G on transcript NM_004448.4 (MANE Select); coding-DNA position 3611, C replaced by G.
Protein change: p.Ala1204Gly; replaces alanine 1204 with glycine.
Molecular consequence: missense variant. On other transcripts: 3 prime UTR variant (2), non-coding transcript variant (1).
Genome position (GRCh38, 1-based): chr17:39,727,887, C>G. VCF-style: chr17-39727887-C-G. GRCh37 (hg19) VCF-style: chr17-37884140-C-G.
Other names: c.3521C>G, p.Ala1174Gly (NM_001005862.3, NM_001382782.1, NM_001382783.1); c.3566C>G, p.Ala1189Gly (NM_001289936.2); c.*190C>G (NM_001289937.2, NM_001382803.1); c.3728C>G, p.Ala1243Gly (NM_001382784.1); c.3713C>G, p.Ala1238Gly (NM_001382785.1); c.3692C>G, p.Ala1231Gly (NM_001382786.1); c.3686C>G, p.Ala1229Gly (NM_001382787.1); c.3641C>G, p.Ala1214Gly (NM_001382788.1); and 16 more; short protein forms A1136G, A1144G, A1171G, A1201G, A1188G, A1189G, A1204G, A1229G.
Identifiers: ClinVar variation 1428662 (VCV001428662.8), dbSNP rs373605104, ClinGen allele CA290444020.
Genomic context (GRCh38, chr17:39,727,887, plus strand): 5'-TTTTTGCCTTTGGGGGTGCCGTGGAGAACCCCGAGTACTTGACACCCCAGGGAGGAGCTG[C>G]CCCTCAGCCCCACCCTCCTCCTGCCTTCAGCCCAGCCTTCGACAACCTCTATTACTGGGA-3'
Protein context (NP_004439.2, residues 1194-1214): PEYLTPQGGA[Ala1204Gly]PQPHPPPAFS